The following is an entry in ClinVar:

NM_001271.4(CHD2):c.2728-1G>A

Gene: CHD2 (chromodomain helicase DNA binding protein 2; plus strand). Cytogenetic location: 15q26.1.
Variant type: single nucleotide variant.
Coding change: c.2728-1G>A on transcript NM_001271.4 (MANE Select); the canonical splice acceptor site of the intron before coding-DNA position 2728, G replaced by A.
Molecular consequence: splice acceptor variant.
Genome position (GRCh38, 1-based): chr15:92,979,134, G>A. VCF-style: chr15-92979134-G-A. GRCh37 (hg19) VCF-style: chr15-93522364-G-A.
Identifiers: ClinVar variation 4725739 (VCV004725739.1).

ClinVar aggregate classification (germline): Likely pathogenic (1 of 4 stars; one submission).

Conditions:
Developmental and epileptic encephalopathy 94 (DEE94). Also called: Epileptic encephalopathy, childhood-onset; CHD2-Related Neurodevelopmental Disorders. Identifiers: Orphanet 1942, Orphanet 2382, MedGen C3809278, MONDO:0014150, OMIM 615369.

Submission:

Labcorp Genetics (formerly Invitae), Labcorp
Classification: Likely pathogenic for Developmental and epileptic encephalopathy 94. Last evaluated: 2025-08-20. Review status: criteria provided, single submitter. Criteria: Invitae Variant Classification Sherloc (09022015). Collection method: clinical testing. Allele origin: germline.
Comment: This sequence change affects an acceptor splice site in intron 21 of the CHD2 gene. It is expected to disrupt RNA splicing. Variants that disrupt the donor or acceptor splice site typically lead to a loss of protein function (PMID: 16199547), and loss-of-function variants in CHD2 are known to be pathogenic (PMID: 23708187, 24207121). This variant is not present in population databases (gnomAD no frequency). This variant has not been reported in the literature in individuals affected with CHD2-related conditions. Algorithms developed to predict the effect of sequence changes on RNA splicing suggest that this variant may disrupt the consensus splice site. In summary, the currently available evidence indicates that the variant is pathogenic, but additional data are needed to prove that conclusively. Therefore, this variant has been classified as Likely Pathogenic.

Literature cited by the submitters: PubMed 16199547; PubMed 23708187; PubMed 24207121.